The following is an entry in ClinVar:

ClinVar aggregate classification (germline): Uncertain significance (1 of 4 stars; one submission).

Conditions:
Emery-Dreifuss muscular dystrophy 5, autosomal dominant (EDMD5). Also called: EMERY-DREIFUSS MUSCULAR DYSTROPHY 5. Identifiers: Orphanet 261, MedGen C2751805, MONDO:0013072, OMIM 612999.

gnomAD v4.1: 6 of 1,614,048 alleles (0.00037%); highest among the groups gnomAD compares: Admixed American, 0.01%; 1 homozygote.

Submission:

Labcorp Genetics (formerly Invitae), Labcorp
Classification: Uncertain significance for Emery-Dreifuss muscular dystrophy 5, autosomal dominant. Last evaluated: 2024-12-31. Review status: criteria provided, single submitter. Criteria: Invitae Variant Classification Sherloc (09022015). Collection method: clinical testing. Allele origin: germline.
Comment: This sequence change replaces aspartic acid, which is acidic and polar, with tyrosine, which is neutral and polar, at codon 6008 of the SYNE2 protein (p.Asp6008Tyr). This variant is present in population databases (no rsID available, gnomAD 0.006%). This variant has not been reported in the literature in individuals affected with SYNE2-related conditions. An algorithm developed to predict the effect of missense changes on protein structure and function (PolyPhen-2) suggests that this variant is likely to be disruptive. In summary, the available evidence is currently insufficient to determine the role of this variant in disease. Therefore, it has been classified as a Variant of Uncertain Significance.

NM_182914.3(SYNE2):c.18022G>T (p.Asp6008Tyr)

Gene: SYNE2 (spectrin repeat containing nuclear envelope protein 2; plus strand). Cytogenetic location: 14q23.2.
Variant type: single nucleotide variant.
Coding change: c.18022G>T on transcript NM_182914.3 (MANE Select); coding-DNA position 18022, G replaced by T.
Protein change: p.Asp6008Tyr; replaces aspartic acid 6008 with tyrosine.
Molecular consequence: missense variant.
Genome position (GRCh38, 1-based): chr14:64,190,221, G>T. VCF-style: chr14-64190221-G-T. GRCh37 (hg19) VCF-style: chr14-64656939-G-T.
Other names: c.18022G>T, p.Asp6008Tyr (NM_015180.6); short protein forms D6008Y.
Identifiers: ClinVar variation 3668754 (VCV003668754.2).
Genomic context (GRCh38, chr14:64,190,221, plus strand): 5'-AGAGCAGCTGAGATCGATGACAAGCTCAACAAAATTAACGATCGTTGGCAACATCTTTTT[G>T]ATGTCATCGGATCAAGGTAAGAAATGGGCTAAAAATGATTACTCTCCAGGAACAGTAATT-3'
Protein context (NP_878918.2, residues 5998-6018): KINDRWQHLF[Asp6008Tyr]VIGSRVKKLK